The following is an entry in ClinVar:

NM_000059.4(BRCA2):c.7249C>G (p.His2417Asp)

Gene: BRCA2 (BRCA2 DNA repair associated; plus strand). Cytogenetic location: 13q13.1.
Variant type: single nucleotide variant.
Coding change: c.7249C>G on transcript NM_000059.4 (MANE Select); coding-DNA position 7249, C replaced by G.
Protein change: p.His2417Asp; replaces histidine 2417 with aspartic acid.
Molecular consequence: missense variant.
Genome position (GRCh38, 1-based): chr13:32,355,102, C>G. VCF-style: chr13-32355102-C-G. GRCh37 (hg19) VCF-style: chr13-32929239-C-G.
Other names: c.7153C>G, p.His2385Asp (NM_001406719.1); c.7249C>G, p.His2417Asp (NM_001406720.1); c.2317C>G, p.His773Asp (NM_001406721.1); c.832C>G, p.His278Asp (NM_001406722.1); short protein forms H2385D, H2417D, H278D, H773D.
Identifiers: ClinVar variation 1721539 (VCV001721539.7), dbSNP rs1291364563, ClinGen allele CA387740456.

ClinVar aggregate classification (germline): Uncertain significance. Review status: criteria provided, multiple submitters, no conflicts (2 of 4 stars). 2 submissions from 2 submitters: Uncertain significance (2). Last evaluated 2026-07-06.

Conditions:
Hereditary cancer-predisposing syndrome. Also called: Tumor predisposition; Hereditary neoplastic syndrome; Neoplastic Syndromes, Hereditary; Hereditary Cancer Syndrome. Identifiers: Orphanet 140162, MedGen C0027672, MeSH D009386, MONDO:0015356.
Hereditary breast ovarian cancer syndrome. Also called: Hereditary breast and ovarian cancer; Hereditary breast and ovarian cancer syndrome; Hereditary breast and ovarian cancer syndrome (HBOC); BRCA1- and BRCA2-Associated Hereditary Breast and Ovarian Cancer; Breast and ovarian cancer; Hereditary breast and/or ovarian cancer syndrome. Identifiers: Orphanet 145, MedGen C0677776, MeSH D061325, MONDO:0003582. Disease mechanism: loss of function.

Submissions (2):

Ambry Genetics
Classification: Uncertain significance for Hereditary cancer-predisposing syndrome. Last evaluated: 2026-07-06. Review status: criteria provided, single submitter. Criteria: Ambry Variant Classification Scheme 2023. Collection method: clinical testing. Allele origin: germline.
Comment: The p.H2417D variant (also known as c.7249C>G), located in coding exon 13 of the BRCA2 gene, results from a C to G substitution at nucleotide position 7249. The histidine at codon 2417 is replaced by aspartic acid, an amino acid with similar properties. This amino acid position is conserved. In addition, the in silico prediction for this alteration is inconclusive. Based on the available evidence, the clinical significance of this variant remains unclear.

Labcorp Genetics (formerly Invitae), Labcorp
Classification: Uncertain significance for Hereditary breast ovarian cancer syndrome. Last evaluated: 2022-10-13. Review status: criteria provided, single submitter. Criteria: Invitae Variant Classification Sherloc (09022015). Collection method: clinical testing. Allele origin: germline.
Comment: This sequence change replaces histidine, which is basic and polar, with aspartic acid, which is acidic and polar, at codon 2417 of the BRCA2 protein (p.His2417Asp). This variant is not present in population databases (gnomAD no frequency). This variant has not been reported in the literature in individuals affected with BRCA2-related conditions. Advanced modeling of protein sequence and biophysical properties (such as structural, functional, and spatial information, amino acid conservation, physicochemical variation, residue mobility, and thermodynamic stability) performed at Invitae indicates that this missense variant is not expected to disrupt BRCA2 protein function. In summary, the available evidence is currently insufficient to determine the role of this variant in disease. Therefore, it has been classified as a Variant of Uncertain Significance.